The following is an entry in ClinVar:

NM_005137.3(DGCR2):c.1475G>A (p.Arg492His)

Gene: DGCR2 (DiGeorge syndrome critical region gene 2; minus strand). Cytogenetic location: 22q11.21.
Variant type: single nucleotide variant.
Coding change: c.1475G>A on transcript NM_005137.3 (MANE Select); coding-DNA position 1475, G replaced by A.
Protein change: p.Arg492His; replaces arginine 492 with histidine.
Molecular consequence: missense variant. On other transcripts: non-coding transcript variant (1).
Genome position (GRCh38, 1-based): chr22:19,039,043, C>T on the plus strand (G>A on the coding strand, the complement: DGCR2 is on the minus strand). VCF-style: chr22-19039043-C-T. GRCh37 (hg19) VCF-style: chr22-19026556-C-T.
Other names: c.1352G>A, p.Arg451His (NM_001173533.2); c.1343G>A, p.Arg448His (NM_001173534.2); c.1466G>A, p.Arg489His (NM_001184781.2); short protein forms R448H, R451H, R489H, R492H.
Identifiers: ClinVar variation 2652852 (VCV002652852.24), dbSNP rs141421532, ClinGen allele CA10095579.

ClinVar aggregate classification (germline): Benign (1 of 4 stars; one submission).

Allele frequency attached by ClinVar (database versions not stated): ESP Exome Variant Server 0.00015; TOPMed 0.00039; 1000 Genomes Project 30x 0.00281; 1000 Genomes Project 0.00319.
gnomAD v4.1: 2,390 of 1,612,962 alleles (0.15%); highest among the groups gnomAD compares: East Asian, 0.85%; 32 homozygotes.

Submission:

CeGaT Center for Human Genetics Tuebingen
Classification: Benign. Last evaluated: 2023-12-01. Review status: criteria provided, single submitter. Criteria: CeGaT Center For Human Genetics Tuebingen Variant Classification Criteria Version 2. Collection method: clinical testing. Allele origin: germline. Affected: yes. Observed: 2 variant alleles.
Comment: DGCR2: BP4, BS1, BS2